The following is an entry in ClinVar:

NM_138295.5(PKD1L1):c.1279G>T (p.Glu427Ter)

Gene: PKD1L1 (polycystin 1 like 1, transient receptor potential channel interacting; minus strand). Cytogenetic location: 7p12.3.
Variant type: single nucleotide variant.
Coding change: c.1279G>T on transcript NM_138295.5 (MANE Select); coding-DNA position 1279, G replaced by T.
Protein change: p.Glu427Ter; replaces glutamic acid 427 with a stop codon.
Molecular consequence: nonsense.
Genome position (GRCh38, 1-based): chr7:47,908,200, C>A on the plus strand (G>T on the coding strand, the complement: PKD1L1 is on the minus strand). VCF-style: chr7-47908200-C-A. GRCh37 (hg19) VCF-style: chr7-47947797-C-A.
Other names: c.1279G>T (NM_138295.4); short protein forms E427*.
Identifiers: ClinVar variation 3046698 (VCV003046698.5), dbSNP rs141974473, ClinGen allele CA4254100.

ClinVar aggregate classification (germline): Pathogenic/Likely pathogenic. Review status: criteria provided, multiple submitters, no conflicts (2 of 4 stars). 3 submissions from 3 submitters: Pathogenic (2); Likely pathogenic (1). Last evaluated 2025-02-08.

Conditions:
PKD1L1-related disorder. Also called: PKD1L1-related condition.
Multiple congenital anomalies/dysmorphic syndrome-intellectual disability. Identifiers: Orphanet 102283, MedGen C5680372, MONDO:0015159.
Heterotaxy, visceral, 8, autosomal (HTX8). Identifiers: MedGen C4310668, MONDO:0014967, OMIM 617205.

Submissions (3):

PreventionGenetics, part of Exact Sciences
Classification: Likely pathogenic for PKD1L1-related condition. Last evaluated: 2025-02-08. Review status: criteria provided, single submitter. Criteria: ACMG Guidelines, 2015. Collection method: clinical testing. Allele origin: germline.
Comment: The PKD1L1 c.1279G>T variant is predicted to result in premature protein termination (p.Glu427*). To our knowledge, this variant has not been reported in the literature. This variant is reported in 0.0053% of alleles in individuals of European (non-Finnish) descent in gnomAD. Nonsense variants in PKD1L1 are expected to be pathogenic. This variant is interpreted as likely pathogenic.

Victorian Clinical Genetics Services, Murdoch Childrens Research Institute
Classification: Pathogenic for Heterotaxy, visceral, 8, autosomal. Last evaluated: 2024-09-20. Review status: criteria provided, single submitter. Criteria: ACMG Guidelines, 2015. Collection method: clinical testing. Allele origin: germline. Inheritance: Autosomal recessive inheritance. Affected: yes.
Comment: Based on the classification scheme VCGS_Germline_v1.3.4, this variant is classified as Pathogenic. Following criteria are met: 0102 - Loss of function is a known mechanism of disease in this gene and is associated with autosomal visceral heterotaxy 8 (MIM#617205). (I) 0106 - This gene is associated with autosomal recessive disease. (I) 0201 - Variant is predicted to cause nonsense-mediated decay (NMD) and loss of protein (premature termination codon is located at least 54 nucleotides upstream of the final exon-exon junction). (SP) 0251 - This variant is heterozygous. (I) 0304 - Variant is present in gnomAD (v2) <0.01 for a recessive condition (7 heterozygotes, 0 homozygotes). (SP) 0701 - Other premature termination variants comparable to the one identified in this case have very strong previous evidence for pathogenicity. Many NMD-predicted variants in this gene have been reported as likely pathogenic/pathogenic (ClinVar). (SP) 0807 - This variant has no previous evidence of pathogenicity. (I) 0905 - No published segregation evidence has been identified for this variant. (I) 1007 - No published functional evidence has been identified for this variant. (I) Legend: (SP) - Supporting pathogenic, (I) - Information, (SB) - Supporting benign

AURAGEN, Plan France Médecine Génomique
Classification: Pathogenic for Multiple congenital anomalies/dysmorphic syndrome-intellectual disability. Last evaluated: 2021-04-06. Review status: criteria provided, single submitter. Criteria: PFMG2025 (Lancet Reg Health Eur. 2025). Collection method: clinical testing. Allele origin: germline. Affected: yes.